The following is an entry in ClinVar:

NM_000222.3(KIT):c.338-14A>G

Gene: KIT (KIT proto-oncogene, receptor tyrosine kinase; plus strand). Cytogenetic location: 4q12.
Variant type: single nucleotide variant.
Coding change: c.338-14A>G on transcript NM_000222.3 (MANE Select); 14 bases into the intron before coding-DNA position 338, A replaced by G.
Molecular consequence: intron variant.
Genome position (GRCh38, 1-based): chr4:54,698,270, A>G. VCF-style: chr4-54698270-A-G. GRCh37 (hg19) VCF-style: chr4-55564436-A-G.
Other names: c.338-14A>G (NM_001385284.1, NM_001385290.1, NM_001385288.1 and 4 more transcripts).
Identifiers: ClinVar variation 1378727 (VCV001378727.9), dbSNP rs2109671499, ClinGen allele CA2573137918.

ClinVar aggregate classification (germline): Likely benign. Review status: criteria provided, multiple submitters, no conflicts (2 of 4 stars). 2 submissions from 2 submitters: Likely benign (2). Last evaluated 2026-05-26.

Conditions:
Gastrointestinal stromal tumor. Also called: Gastrointestinal stroma tumor; Gastrointestinal stromal tumor, somatic. Identifiers: Orphanet 44890, MedGen C0238198, MeSH D046152, MONDO:0011719, OMIM 606764, HP:0100723.

Submissions (2):

Myriad Genetics, Inc.
Classification: Likely benign for Gastrointestinal stromal tumor. Last evaluated: 2026-05-26. Review status: criteria provided, single submitter. Criteria: Myriad Autosomal Dominant, Autosomal Recessive and X-Linked Classification Criteria (2023). Collection method: clinical testing. Allele origin: unknown.
Comment: This variant is considered likely benign. This variant is intronic and is not expected to impact mRNA splicing.

Labcorp Genetics (formerly Invitae), Labcorp
Classification: Likely benign for Gastrointestinal stromal tumor. Last evaluated: 2026-01-20. Review status: criteria provided, single submitter. Criteria: Invitae Variant Classification Sherloc (09022015). Collection method: clinical testing. Allele origin: germline.